The following is an entry in ClinVar:

NM_001042517.2(DIAPH3):c.701T>C (p.Ile234Thr)

Genes: DIAPH3 (diaphanous related formin 3; minus strand), DIAPH3-AS1 (DIAPH3 antisense RNA 1; plus strand). Cytogenetic location: 13q21.2.
Variant type: single nucleotide variant.
Coding change: c.701T>C on transcript NM_001042517.2 (MANE Select); coding-DNA position 701, T replaced by C.
Protein change: p.Ile234Thr; replaces isoleucine 234 with threonine.
Molecular consequence: missense variant.
Genome position (GRCh38, 1-based): chr13:60,016,071, A>G on the plus strand (T>C on the coding strand, the complement: DIAPH3 is on the minus strand). VCF-style: chr13-60016071-A-G. GRCh37 (hg19) VCF-style: chr13-60590205-A-G.
Other names: p.Ile234Thr; c.668T>C, p.Ile223Thr (NM_001258366.2); c.563T>C, p.Ile188Thr (NM_001258367.2); c.491T>C, p.Ile164Thr (NM_001258368.2); c.701T>C, p.Ile234Thr (NM_001258369.2); short protein forms I164T, I188T, I223T, I234T.
Identifiers: ClinVar variation 1210950 (VCV001210950.12), dbSNP rs200839105, ClinGen allele CA6996927.

ClinVar aggregate classification (germline): Conflicting classifications of pathogenicity. Review status: criteria provided, conflicting classifications (1 of 4 stars). 4 submissions from 4 submitters: Uncertain significance (1); Benign (1); Likely benign (2). Last evaluated 2025-08-06.

Allele frequency attached by ClinVar (database versions not stated): 1000 Genomes Project 30x 0.00016; 1000 Genomes Project 0.00020; gnomAD 0.00039 and 0.00041; TOPMed 0.00041; ESP Exome Variant Server 0.00043; gnomAD exomes 0.00065.
gnomAD v4.1: 985 of 1,613,086 alleles (0.061%); highest among the groups gnomAD compares: Non-Finnish European, 0.081%; 1 homozygote.

Submissions (5):

Mayo Clinic Laboratories, Mayo Clinic
Classification: Benign. Last evaluated: 2025-08-06. Review status: criteria provided, single submitter. Criteria: ACMG Guidelines, 2015. Collection method: clinical testing. Allele origin: germline. Observed: 1 variant allele.
Comment: BS1, BS2, BP4

Labcorp Genetics (formerly Invitae), Labcorp
Classification: Uncertain significance. Last evaluated: 2025-07-10. Review status: criteria provided, single submitter. Criteria: Invitae Variant Classification Sherloc (09022015). Collection method: clinical testing. Allele origin: germline.
Comment: This sequence change replaces isoleucine, which is neutral and non-polar, with threonine, which is neutral and polar, at codon 234 of the DIAPH3 protein (p.Ile234Thr). This variant is present in population databases (rs200839105, gnomAD 0.08%), and has an allele count higher than expected for a pathogenic variant. This variant has not been reported in the literature in individuals affected with DIAPH3-related conditions. ClinVar contains an entry for this variant (Variation ID: 1210950). An algorithm developed to predict the effect of missense changes on protein structure and function outputs the following: PolyPhen-2: "Benign". The threonine amino acid residue is found in multiple mammalian species, which suggests that this missense change does not adversely affect protein function. In summary, the available evidence is currently insufficient to determine the role of this variant in disease. Therefore, it has been classified as a Variant of Uncertain Significance.

Blueprint Genetics
Classification: Likely benign. Last evaluated: 2024-11-26. Review status: criteria provided, single submitter. Criteria: ACMG Guidelines, 2015. Collection method: clinical testing. Allele origin: germline.

GeneDx
Classification: Likely benign. Last evaluated: 2020-01-08. Review status: criteria provided, single submitter. Criteria: GeneDx Variant Classification Process June 2021. Collection method: clinical testing. Allele origin: germline. Affected: yes.
Comment: In silico analysis, which includes protein predictors and evolutionary conservation, supports that this variant does not alter protein structure/function; Has not been previously published as pathogenic or benign to our knowledge

Dr. Peter K. Rogan Lab, Western University
No classification provided (evidence only). Condition: Familial cancer of breast. Review status: no classification provided. Collection method: in vitro. Allele origin: not applicable. Functional consequence: retained intron. Not counted in ClinVar's aggregate classification.